The following is an entry in ClinVar:

ClinVar aggregate classification (germline): Uncertain significance. Review status: criteria provided, multiple submitters, no conflicts (2 of 4 stars). 2 submissions from 2 submitters: Uncertain significance (2). Last evaluated 2024-10-28.

Conditions:
Generalized epilepsy-paroxysmal dyskinesia syndrome (PNKD3). Also called: Paroxysmal nonkinesigenic dyskinesia, 3, with or without generalized epilepsy; Generalized epilepsy and paroxysmal dyskinesia. Identifiers: Orphanet 79137, MedGen C5574945, MONDO:0012276, OMIM 609446.

Allele frequency attached by ClinVar (database versions not stated): gnomAD exomes below 0.00001 and 0.00001; gnomAD 0.00001.
gnomAD v4.1: 8 of 1,614,008 alleles (0.0005%); highest among the groups gnomAD compares: Non-Finnish European, 0.00051%; no homozygotes.

Submissions (2):

Labcorp Genetics (formerly Invitae), Labcorp
Classification: Uncertain significance for Generalized epilepsy-paroxysmal dyskinesia syndrome. Last evaluated: 2024-10-28. Review status: criteria provided, single submitter. Criteria: Invitae Variant Classification Sherloc (09022015). Collection method: clinical testing. Allele origin: germline.
Comment: This sequence change replaces serine, which is neutral and polar, with glycine, which is neutral and non-polar, at codon 1142 of the KCNMA1 protein (p.Ser1142Gly). This variant is present in population databases (no rsID available, gnomAD 0.002%). This variant has not been reported in the literature in individuals affected with KCNMA1-related conditions. ClinVar contains an entry for this variant (Variation ID: 1044508). An algorithm developed to predict the effect of missense changes on protein structure and function (PolyPhen-2) suggests that this variant is likely to be disruptive. In summary, the available evidence is currently insufficient to determine the role of this variant in disease. Therefore, it has been classified as a Variant of Uncertain Significance.

GeneDx
Classification: Uncertain significance. Last evaluated: 2019-04-12. Review status: criteria provided, single submitter. Criteria: GeneDx Variant Classification Process June 2021. Collection method: clinical testing. Allele origin: germline. Affected: yes.
Comment: In silico analysis, which includes protein predictors and evolutionary conservation, supports that this variant does not alter protein structure/function; Has not been previously published as pathogenic or benign to our knowledge

NM_001161352.2(KCNMA1):c.3598A>G (p.Ser1200Gly)

Gene: KCNMA1 (potassium calcium-activated channel subfamily M alpha 1; minus strand). Cytogenetic location: 10q22.3.
Variant type: single nucleotide variant.
Coding change: c.3598A>G on transcript NM_001161352.2 (MANE Select); coding-DNA position 3598, A replaced by G.
Protein change: p.Ser1200Gly; replaces serine 1200 with glycine.
Molecular consequence: missense variant.
Genome position (GRCh38, 1-based): chr10:76,887,379, T>C on the plus strand (A>G on the coding strand, the complement: KCNMA1 is on the minus strand). VCF-style: chr10-76887379-T-C. GRCh37 (hg19) VCF-style: chr10-78647137-T-C.
Other names: c.3436A>G, p.Ser1146Gly (NM_001014797.3); c.3547A>G, p.Ser1183Gly (NM_001161353.2); c.3274A>G, p.Ser1092Gly (NM_001271518.2); c.3514A>G, p.Ser1172Gly (NM_001271519.2); c.3433A>G, p.Ser1145Gly (NM_001322829.2, NM_001322836.2); c.3526A>G, p.Ser1176Gly (NM_001322830.2); c.3424A>G, p.Ser1142Gly (NM_001322832.2, NM_002247.4); c.3517A>G, p.Ser1173Gly (NM_001322835.2, NM_001322837.2); and 1 more; short protein forms S1145G, S991G, S1092G, S1176G, S1183G, S1172G, S1142G, S1146G.
Identifiers: ClinVar variation 1044508 (VCV001044508.10), dbSNP rs985517880, ClinGen allele CA210076462.